The following is an entry in ClinVar:

ClinVar aggregate classification (germline): Uncertain significance (1 of 4 stars; one submission).

Conditions:
Hereditary cancer-predisposing syndrome. Also called: Neoplastic Syndromes, Hereditary; Tumor predisposition; Hereditary Cancer Syndrome; Hereditary neoplastic syndrome. Identifiers: Orphanet 140162, MedGen C0027672, MeSH D009386, MONDO:0015356.

Submission:

Ambry Genetics
Classification: Uncertain significance for Hereditary cancer-predisposing syndrome. Last evaluated: 2025-07-31. Review status: criteria provided, single submitter. Criteria: Ambry Variant Classification Scheme 2023. Collection method: clinical testing. Allele origin: germline.
Comment: The p.F975L variant (also known as c.2925C>A), located in coding exon 19 of the SMARCA4 gene, results from a C to A substitution at nucleotide position 2925. The phenylalanine at codon 975 is replaced by leucine, an amino acid with highly similar properties. This amino acid position is conserved. In addition, this alteration is predicted to be deleterious by in silico analysis. Based on the available evidence, the clinical significance of this variant remains unclear.

NM_003072.5(SMARCA4):c.2925C>A (p.Phe975Leu)

Gene: SMARCA4 (SWI/SNF related BAF chromatin remodeling complex subunit ATPase 4; plus strand). Cytogenetic location: 19p13.2.
Variant type: single nucleotide variant.
Coding change: c.2925C>A on transcript NM_003072.5 (MANE Select); coding-DNA position 2925, C replaced by A.
Protein change: p.Phe975Leu; replaces phenylalanine 975 with leucine.
Molecular consequence: missense variant. On other transcripts: non-coding transcript variant (1).
Genome position (GRCh38, 1-based): chr19:11,023,583, C>A. VCF-style: chr19-11023583-C-A. GRCh37 (hg19) VCF-style: chr19-11134259-C-A.
Other names: c.2925C>A, p.Phe975Leu (NM_001128844.3, NM_001128845.2, NM_001128846.2 and 6 more transcripts); short protein forms F975L.
Identifiers: ClinVar variation 4170163 (VCV004170163.1).
Genomic context (GRCh38, chr19:11,023,583, plus strand): 5'-CCTGAATGAGGAGGAAACCATTCTCATCATCCGGCGTCTCCACAAAGTGCTGCGGCCCTT[C>A]TTGCTCCGACGACTCAAGAAGGAAGTCGAGGCCCAGTTGCCCGAAAAGGTGATGGAGTTT-3'
Protein context (NP_003063.2, residues 965-985): IRRLHKVLRP[Phe975Leu]LLRRLKKEVE